The following is an entry in ClinVar:

NM_000023.4(SGCA):c.421C>A (p.Arg141Ser)

Gene: SGCA (sarcoglycan alpha; plus strand). Cytogenetic location: 17q21.33.
Variant type: single nucleotide variant.
Coding change: c.421C>A on transcript NM_000023.4 (MANE Select); coding-DNA position 421, C replaced by A.
Protein change: p.Arg141Ser; replaces arginine 141 with serine.
Molecular consequence: missense variant. On other transcripts: non-coding transcript variant (1).
Genome position (GRCh38, 1-based): chr17:50,168,409, C>A. VCF-style: chr17-50168409-C-A. GRCh37 (hg19) VCF-style: chr17-48245770-C-A.
Other names: p.Arg141Ser; c.421C>A, p.Arg141Ser (NM_001135697.3); short protein forms R141S.
Identifiers: ClinVar variation 197618 (VCV000197618.80), dbSNP rs35130237, ClinGen allele CA245881.

ClinVar aggregate classification (germline): Conflicting classifications of pathogenicity. Review status: criteria provided, conflicting classifications (1 of 4 stars). 14 submissions from 14 submitters: Uncertain significance (8); Likely benign (5). 1 of the submissions does not count toward it. Last evaluated 2026-02-01.

Conditions:
Sarcoglycanopathy. Identifiers: Orphanet 207052, MedGen C2936331, MONDO:0016140.
Cardiomyopathy (CMYO). Also called: Cardiomyopathies. Identifiers: Orphanet 167848, MedGen C0878544, MONDO:0004994, HP:0001638. Inheritance: Various modes of inheritance.
Autosomal recessive limb-girdle muscular dystrophy type 2D (LGMDR3). Also called: DUCHENNE-LIKE AUTOSOMAL RECESSIVE MUSCULAR DYSTROPHY, TYPE 2; MUSCULAR DYSTROPHY, LIMB-GIRDLE, AUTOSOMAL RECESSIVE 3; ADHALINOPATHY, PRIMARY. Identifiers: Orphanet 62, MedGen C2936332, MONDO:0011968, OMIM 608099. Disease mechanism: Affects gamma-sarcoglycan and also disrupts the integrity of the entire sarcoglycan complex..

Allele frequency attached by ClinVar (database versions not stated): ESP Exome Variant Server 0.00046; gnomAD 0.00056 and 0.00058; TOPMed 0.00089; ExAC 0.00116; 1000 Genomes Project 30x 0.00125; 1000 Genomes Project 0.00140.
gnomAD v4.1: 1,292 of 1,589,732 alleles (0.081%); highest among the groups gnomAD compares: Middle Eastern, 0.25%; 4 homozygotes.

Submissions (14):

Labcorp Genetics (formerly Invitae), Labcorp
Classification: Likely benign for Autosomal recessive limb-girdle muscular dystrophy type 2D. Last evaluated: 2026-02-01. Review status: criteria provided, single submitter. Criteria: Invitae Variant Classification Sherloc (09022015). Collection method: clinical testing. Allele origin: germline.

GeneDx
Classification: Uncertain significance. Last evaluated: 2025-12-09. Review status: criteria provided, single submitter. Criteria: GeneDx Variant Classification Process June 2021. Collection method: clinical testing. Allele origin: germline. Affected: yes.
Comment: Observed in a patient in the published literature with limb-girdle muscular dystrophy who did not have another pathogenic SGCA variant; however, this patient had only mild reduction in alpha-sarcoglycan and normal beta-, delta-, and gamma-sarcoglycan proteins on immunoblot screning on muscle biopsy and Western blot of muscle protein showed a 40% reduction in alpha-sarcoglycan protein (PMID: 12746421); In silico analysis suggests that this missense variant does not alter protein structure/function; Reported in the heterozygous state in patients with limb-girdle muscular weakness; however, clinical details are limited (PMID: 31931849, 39678382, 12746421); This variant is associated with the following publications: (PMID: 24742800, 31931849, 34426522, 39678382, 12746421, 18285821, Schiava2022[casereport])

Blueprint Genetics
Classification: Likely benign. Last evaluated: 2024-09-02. Review status: criteria provided, single submitter. Criteria: ACMG Guidelines, 2015. Collection method: clinical testing. Allele origin: germline.

Athena Diagnostics
Classification: Uncertain significance. Last evaluated: 2024-01-10. Review status: criteria provided, single submitter. Criteria: Athena Diagnostics Criteria. Collection method: clinical testing. Allele origin: unknown.

Revvity Omics, Revvity
Classification: Likely benign for Autosomal recessive limb-girdle muscular dystrophy type 2D. Last evaluated: 2023-11-30. Review status: criteria provided, single submitter. Criteria: ACMG Guidelines, 2015. Collection method: clinical testing. Allele origin: germline.

Mayo Clinic Laboratories, Mayo Clinic
Classification: Uncertain significance. Last evaluated: 2023-03-21. Review status: criteria provided, single submitter. Criteria: ACMG Guidelines, 2015. Collection method: clinical testing. Allele origin: germline. Observed: 1 variant allele.

Genome-Nilou Lab
Classification: Uncertain significance for Autosomal recessive limb-girdle muscular dystrophy type 2D. Last evaluated: 2021-07-22. Review status: criteria provided, single submitter. Criteria: ACMG Guidelines, 2015. Collection method: clinical testing. Allele origin: germline. Affected: no.

ARUP Laboratories, Molecular Genetics and Genomics, ARUP Laboratories
Classification: Uncertain significance for Autosomal recessive limb-girdle muscular dystrophy type 2D. Last evaluated: 2020-01-28. Review status: criteria provided, single submitter. Criteria: ARUP Molecular Germline Variant Investigation Process. Collection method: clinical testing. Allele origin: germline.
Comment: The SGCA c.421C>A; p.Arg141Ser variant (rs35130237) is reported in the literature in several individuals affected with limb-girdle muscular dystrophy or a related sarcoglycanopathy, although a second SGCA variant was not detected in affected individuals (Boito 2003, Trabelsi 2008). The p.Arg141Ser variant is found in the Latino population with an allele frequency of 0.11% (33/31084 alleles) in the Genome Aggregation Database, and it is reported in ClinVar (Variation ID: 197618). The arginine at codon 141 is weakly conserved, and computational analyses (SIFT, PolyPhen-2) predict that this variant is tolerated. However, computational analyses of splicing (Alamut v.2.11) predict that this variant may impact splicing by creating a novel cryptic donor splice site, although RNA analyses would be required to confirm this. Given the lack of clinical and functional data, the significance of the p.Arg141Ser variant is uncertain at this time. References: Boito C et al. Novel sarcoglycan gene mutations in a large cohort of Italian patients. J Med Genet. 2003 May;40(5):e67. Trabelsi M et al. Revised spectrum of mutations in sarcoglycanopathies. Eur J Hum Genet. 2008 Jul;16(7):793-803.

CeGaT Center for Human Genetics Tuebingen
Classification: Uncertain significance. Last evaluated: 2020-01-01. Review status: criteria provided, single submitter. Criteria: CeGaT Center For Human Genetics Tuebingen Variant Classification Criteria Version 2. Collection method: clinical testing. Allele origin: germline. Affected: yes. Observed: 1 variant allele.

Dubai Health Genomic Medicine Center, Dubai Health
Classification: Uncertain significance for Autosomal recessive limb-girdle muscular dystrophy type 2D. Last evaluated: 2019-12-29. Review status: criteria provided, single submitter. Criteria: ACMG Guidelines, 2015. Collection method: clinical testing. Allele origin: germline. Affected: yes.

Eurofins Ntd Llc (ga)
Classification: Uncertain significance. Last evaluated: 2018-03-08. Review status: criteria provided, single submitter. Criteria: EGL ClinVar v180209 classification definitions. Collection method: clinical testing. Allele origin: germline. Observed: 18 variant alleles, 18 heterozygotes.

Illumina Laboratory Services, Illumina
Classification: Likely benign for Sarcoglycanopathy. Last evaluated: 2018-01-24. Review status: criteria provided, single submitter. Criteria: ICSL Variant Classification Criteria 13 December 2019. Collection method: clinical testing. Allele origin: germline.
Comment: This variant was observed as part of a predisposition screen in an ostensibly healthy population. A literature search was performed for the gene, cDNA change, and amino acid change (where applicable). Publications were found based on this search. The evidence from the literature, in combination with allele frequency data from public databases where available, was sufficient to determine this variant is unlikely to cause disease. Therefore, this variant is classified as likely benign.

Center for Advanced Laboratory Medicine, UC San Diego Health, University of California San Diego
Classification: Likely benign for Cardiomyopathy. Last evaluated: 2017-12-06. Review status: criteria provided, single submitter. Criteria: ACMG Guidelines, 2015. Collection method: clinical testing. Allele origin: germline. Affected: yes. Observed: 1 variant allele.

Natera, Inc.
Classification: Uncertain significance for Limb-girdle muscular dystrophy type 2D. Last evaluated: 2020-04-03. Review status: no assertion criteria provided. Collection method: clinical testing. Allele origin: germline. Not counted in ClinVar's aggregate classification.

Literature cited by the submitters: PubMed 34426522 (cited by Athena Diagnostics and Mayo Clinic Laboratories, Mayo Clinic); PubMed 25802880 (cited by Athena Diagnostics); PubMed 12746421 (cited by 3 submitters); PubMed 18285821 (cited by Athena Diagnostics and Illumina Laboratory Services, Illumina); PubMed 31931849 (cited by Athena Diagnostics).